The following is an entry in ClinVar:

NM_000038.6(APC):c.1511_1515del (p.Ala504fs)

Gene: APC (APC regulator of Wnt signaling pathway; plus strand). Cytogenetic location: 5q22.2.
Variant type: Deletion.
Coding change: c.1511_1515del on transcript NM_000038.6 (MANE Select); coding-DNA positions 1511 to 1515, 5 bases deleted (CTTTG; older notation c.1511_1515delCTTTG).
Protein change: p.Ala504fs; shifts the reading frame from alanine 504.
Molecular consequence: frameshift variant.
Genome position (GRCh38, 1-based): chr5:112,827,210-112,827,214, CTTTG deleted; deleting any 5 consecutive bases within chr5:112,827,209-112,827,214 gives the same sequence; the c. name uses the placement nearest the transcript's 3' end. VCF-style (leftmost placement, unchanged base first): chr5-112827208-GGCTTT-G. GRCh37 (hg19) VCF-style: chr5-112162905-GGCTTT-G.
Other names: c.1511_1515del, p.Ala504fs (NM_001127510.3, NM_001354895.2, NM_001407450.1); c.1457_1461del, p.Ala486fs (NM_001127511.3); c.1565_1569del, p.Ala522fs (NM_001354896.2, NM_001407447.1, NM_001407448.1 and 1 more transcripts); c.1541_1545del, p.Ala514fs (NM_001354897.2); c.1436_1440del, p.Ala479fs (NM_001354898.2); c.1427_1431del, p.Ala476fs (NM_001354899.2); c.1388_1392del, p.Ala463fs (NM_001354900.2); c.1334_1338del, p.Ala445fs (NM_001354901.2, NM_001407453.1); and 11 more; short protein forms A120fs, A221fs, A344fs, A375fs, A378fs, A403fs, A413fs, A421fs.
Identifiers: ClinVar variation 2584028 (VCV002584028.1), dbSNP rs2533200101, ClinGen allele CA2582341337.

ClinVar aggregate classification (germline): Pathogenic (1 of 4 stars; one submission).

Conditions:
Familial adenomatous polyposis 1 (FAP1). Also called: FAMILIAL ADENOMATOUS POLYPOSIS 1, ATTENUATED; POLYPOSIS, ADENOMATOUS INTESTINAL. Identifiers: MedGen C2713442, MONDO:0021056, OMIM 175100. Disease mechanism: loss of function.

Submission:

Myriad Genetics, Inc.
Classification: Pathogenic for Familial adenomatous polyposis 1. Last evaluated: 2023-05-01. Review status: criteria provided, single submitter. Criteria: Myriad Autosomal Dominant, Autosomal Recessive and X-Linked Classification Criteria (2023). Collection method: clinical testing. Allele origin: unknown.
Comment: This variant is considered pathogenic. This variant creates a frameshift predicted to result in premature protein truncation.